The following is an entry in ClinVar:

NC_000016.9:g.(?_11643473)_(11650606_?)dup

Gene: LITAF (lipopolysaccharide induced TNF factor; minus strand). Cytogenetic location: 16p13.13.
Variant type: Duplication.
Identifiers: ClinVar variation 584169 (VCV000584169.1).

ClinVar aggregate classification (germline): Uncertain significance (1 of 4 stars; one submission).

Conditions:
Charcot-Marie-Tooth disease type 1C. Also called: HMSN IC; CHARCOT-MARIE-TOOTH DISEASE, DEMYELINATING, TYPE 1C; CHARCOT-MARIE-TOOTH NEUROPATHY, TYPE 1C; NEUROPATHY, HEREDITARY MOTOR AND SENSORY, TYPE IC; Charcot-Marie-Tooth disease, type IC; CMT, SLOW NERVE CONDUCTION TYPE C. Identifiers: Orphanet 101083, MedGen C0270913, MONDO:0010995, OMIM 601098.

Submission:

Labcorp Genetics (formerly Invitae), Labcorp
Classification: Uncertain significance for Charcot-Marie-Tooth disease type 1C. Last evaluated: 2018-06-29. Review status: criteria provided, single submitter. Criteria: Invitae Variant Classification Sherloc (09022015). Collection method: clinical testing. Allele origin: germline.
Comment: This variant results in a copy number gain of the genomic region encompassing the full coding sequence of the LITAF gene. The boundaries of this event are unknown as they extend beyond the assayed region for this gene and therefore may encompass additional genes. As the precise location of this event is unknown, it may be in tandem or it may be located elsewhere in the genome. This variant has not been reported in the literature in individuals with LITAF-related disease. In summary, the available evidence is currently insufficient to determine the role of this variant in disease. Therefore, it has been classified as a Variant of Uncertain Significance.